The following is an entry in ClinVar:

ClinVar aggregate classification (germline): Uncertain significance (1 of 4 stars; one submission).

Conditions:
Cardiovascular phenotype. Identifiers: MedGen CN230736.

gnomAD v4.1: 1 of 1,614,228 alleles (0.000062%); highest among the groups gnomAD compares: South Asian, 0.0011%; no homozygotes.

Submission:

Ambry Genetics
Classification: Uncertain significance for Cardiovascular phenotype. Last evaluated: 2025-10-23. Review status: criteria provided, single submitter. Criteria: Ambry Variant Classification Scheme 2023. Collection method: clinical testing. Allele origin: germline.
Comment: The p.P131S variant (also known as c.391C>T), located in coding exon 2 of the BAG3 gene, results from a C to T substitution at nucleotide position 391. The proline at codon 131 is replaced by serine, an amino acid with similar properties. This amino acid position is conserved. In addition, this alteration is predicted to be tolerated by in silico analysis. Based on the available evidence, the clinical significance of this variant remains unclear.

NM_004281.4(BAG3):c.391C>T (p.Pro131Ser)

Gene: BAG3 (BAG cochaperone 3; plus strand). Cytogenetic location: 10q26.11.
Variant type: single nucleotide variant.
Coding change: c.391C>T on transcript NM_004281.4 (MANE Select); coding-DNA position 391, C replaced by T.
Protein change: p.Pro131Ser; replaces proline 131 with serine.
Molecular consequence: missense variant.
Genome position (GRCh38, 1-based): chr10:119,670,061, C>T. VCF-style: chr10-119670061-C-T. GRCh37 (hg19) VCF-style: chr10-121429573-C-T.
Other names: short protein forms P131S.
Identifiers: ClinVar variation 4613743 (VCV004613743.1).
Genomic context (GRCh38, chr10:119,670,061, plus strand): 5'-TTCCATGTCTATCCCCAGCCTGGGATGCAGCGATTCCGAACTGAGGCGGCAGCAGCGGCT[C>T]CTCAGAGGTCCCAGTCACCTCTGCGGGGCATGCCAGAAACCACTCAGCCAGATAAACAGT-3'
Protein context (NP_004272.2, residues 121-141): RFRTEAAAAA[Pro131Ser]QRSQSPLRGM